The following is an entry in ClinVar:

NM_152263.4(TPM3):c.123G>T (p.Glu41Asp)

Gene: TPM3 (tropomyosin 3; minus strand). Cytogenetic location: 1q21.3.
Variant type: single nucleotide variant.
Coding change: c.123G>T on transcript NM_152263.4 (MANE Select); coding-DNA position 123, G replaced by T.
Protein change: p.Glu41Asp; replaces glutamic acid 41 with aspartic acid.
Molecular consequence: missense variant. On other transcripts: non-coding transcript variant (1).
Genome position (GRCh38, 1-based): chr1:154,191,306, C>A on the plus strand (G>T on the coding strand, the complement: TPM3 is on the minus strand). VCF-style: chr1-154191306-C-A. GRCh37 (hg19) VCF-style: chr1-154163782-C-A.
Other names: c.123G>T, p.Glu41Asp (NM_001364679.2, NM_001364680.2, NM_001364681.2 and 1 more transcripts); short protein forms E41D.
Identifiers: ClinVar variation 2639368 (VCV002639368.24), dbSNP rs2148294677, ClinGen allele CA342587314.

ClinVar aggregate classification (germline): Uncertain significance (1 of 4 stars; one submission).

Submission:

CeGaT Center for Human Genetics Tuebingen
Classification: Uncertain significance. Last evaluated: 2023-03-01. Review status: criteria provided, single submitter. Criteria: CeGaT Center For Human Genetics Tuebingen Variant Classification Criteria Version 2. Collection method: clinical testing. Allele origin: germline. Affected: yes. Observed: 1 variant allele.
Comment: TPM3: PM2